The following is an entry in ClinVar:

ClinVar aggregate classification (germline): Likely benign (0 of 4 stars; one submission).

Conditions:
TBC1D8B-related disorder. Also called: TBC1D8B-related condition.

Allele frequency attached by ClinVar (database versions not stated): gnomAD exomes 0.00008; 1000 Genomes Project 0.00026; ExAC 0.00027; 1000 Genomes Project 30x 0.00042; gnomAD 0.00063; TOPMed 0.00104; ESP Exome Variant Server 0.00114.

Submission:

PreventionGenetics, part of Exact Sciences
Classification: Likely benign for TBC1D8B-related condition. Last evaluated: 2022-02-09. Review status: no assertion criteria provided. Collection method: clinical testing. Allele origin: germline.
Comment: This variant is classified as likely benign based on ACMG/AMP sequence variant interpretation guidelines (Richards et al. 2015 PMID: 25741868, with internal and published modifications).

NM_017752.3(TBC1D8B):c.882C>G (p.Pro294=)

Gene: TBC1D8B (TBC1 domain family member 8B; plus strand). Cytogenetic location: Xq22.3.
Variant type: single nucleotide variant.
Coding change: c.882C>G on transcript NM_017752.3 (MANE Select); coding-DNA position 882, C replaced by G.
Protein change: p.Pro294=; no amino-acid change (proline 294 retained).
Molecular consequence: synonymous variant.
Genome position (GRCh38, 1-based): chrX:106,826,084, C>G. VCF-style: chrX-106826084-C-G. GRCh37 (hg19) VCF-style: chrX-106069314-C-G.
Other names: c.882C>G, p.Pro294= (NM_198881.2).
Identifiers: ClinVar variation 3035395 (VCV003035395.2), dbSNP rs143809516, ClinGen allele CA10483030.